The following is an entry in ClinVar:

NM_194454.3(KRIT1):c.829_832dup (p.Val278fs)

Gene: KRIT1 (KRIT1 ankyrin repeat containing; minus strand). Cytogenetic location: 7q21.2.
Variant type: Duplication.
Coding change: c.829_832dup on transcript NM_194454.3 (MANE Select); coding-DNA positions 829 to 832, 4 bases duplicated (AGTG; older notation c.829_832dupAGTG).
Protein change: p.Val278fs; shifts the reading frame from valine 278.
Molecular consequence: frameshift variant.
Genome position (GRCh38, 1-based): chr7:92,234,821-92,234,824, CACT duplicated on the plus strand (AGTG on the coding strand, the reverse complement: KRIT1 is on the minus strand). VCF-style (leftmost placement, unchanged base first): chr7-92234820-A-ACACT. GRCh37 (hg19) VCF-style: chr7-91864134-A-ACACT.
Other names: c.829_832dupAGTG (NM_194456.1); c.829_832dup, p.Val278fs (NM_001013406.2, NM_001350669.1, NM_001350670.1 and 29 more transcripts); c.115_118dup, p.Val40fs (NM_001350671.1); short protein forms V278fs, V40fs.
Identifiers: ClinVar variation 2630774 (VCV002630774.1), dbSNP rs2536012090, ClinGen allele CA2695199553.

ClinVar aggregate classification (germline): Pathogenic (1 of 4 stars; one submission).

Conditions:
KRIT1-related disorder. Also called: KRIT1-related condition; KRIT1-related disorders.

Submission:

PreventionGenetics, part of Exact Sciences
Classification: Pathogenic for KRIT1-related condition. Last evaluated: 2023-09-01. Review status: criteria provided, single submitter. Criteria: ACMG Guidelines, 2015. Collection method: clinical testing. Allele origin: germline.
Comment: The KRIT1 c.829_832dupAGTG variant is predicted to result in a frameshift and premature protein termination (p.Val278Glufs*13). To our knowledge, this variant has not been reported in the literature or in a large population database, indicating this variant is rare. Frameshift variants in KRIT1 are expected to be pathogenic. This variant is interpreted as pathogenic.